The following is an entry in ClinVar:

NM_001122769.3(LCA5):c.551C>T (p.Ala184Val)

Gene: LCA5 (lebercilin LCA5; minus strand). Cytogenetic location: 6q14.1.
Variant type: single nucleotide variant.
Coding change: c.551C>T on transcript NM_001122769.3 (MANE Select); coding-DNA position 551, C replaced by T.
Protein change: p.Ala184Val; replaces alanine 184 with valine.
Molecular consequence: missense variant.
Genome position (GRCh38, 1-based): chr6:79,513,381, G>A on the plus strand (C>T on the coding strand, the complement: LCA5 is on the minus strand). VCF-style: chr6-79513381-G-A. GRCh37 (hg19) VCF-style: chr6-80223098-G-A.
Other names: c.551C>T, p.Ala184Val (NM_181714.4); short protein forms A184V.
Identifiers: ClinVar variation 1046354 (VCV001046354.6), dbSNP rs758637325, ClinGen allele CA3901098.
Genomic context (GRCh38, chr6:79,513,381, plus strand): 5'-TGTAAGGAAAATTTTGTCCTAAATAGTTCACTTTCTGTATCTTTTACCCTTTTCTCAGTT[G>A]CCCGTTCTTTCTCTTGAGATTTTCTTAAGCGTTCTTTGAGTGCTGTAATCTCATTGTTAT-3'
Protein context (NP_001116241.1, residues 174-194): RLRKSQEKER[Ala184Val]TEKRVKDTES

ClinVar aggregate classification (germline): Uncertain significance. Review status: criteria provided, single submitter (1 of 4 stars). 2 submissions from 2 submitters: Uncertain significance (1). 1 of the submissions does not count toward it. Last evaluated 2023-07-17.

Conditions:
Leber congenital amaurosis 5 (LCA5). Also called: Amaurosis congenita of Leber, type 5. Identifiers: Orphanet 65, MedGen C1858301, MONDO:0011473, OMIM 604537.

Allele frequency attached by ClinVar (database versions not stated): gnomAD exomes below 0.00001; ExAC 0.00001.
gnomAD v4.1: 2 of 1,613,716 alleles (0.00012%); highest among the groups gnomAD compares: Admixed American, 0.0017%; no homozygotes.

Submissions (2):

Labcorp Genetics (formerly Invitae), Labcorp
Classification: Uncertain significance. Last evaluated: 2023-07-17. Review status: criteria provided, single submitter. Criteria: Invitae Variant Classification Sherloc (09022015). Collection method: clinical testing. Allele origin: germline.
Comment: Advanced modeling of protein sequence and biophysical properties (such as structural, functional, and spatial information, amino acid conservation, physicochemical variation, residue mobility, and thermodynamic stability) performed at Invitae indicates that this missense variant is not expected to disrupt LCA5 protein function. ClinVar contains an entry for this variant (Variation ID: 1046354). This variant has not been reported in the literature in individuals affected with LCA5-related conditions. This variant is present in population databases (rs758637325, gnomAD 0.003%). This sequence change replaces alanine, which is neutral and non-polar, with valine, which is neutral and non-polar, at codon 184 of the LCA5 protein (p.Ala184Val). In summary, the available evidence is currently insufficient to determine the role of this variant in disease. Therefore, it has been classified as a Variant of Uncertain Significance.

Natera, Inc.
Classification: Uncertain significance for Leber congenital amaurosis type 5. Last evaluated: 2021-05-21. Review status: no assertion criteria provided. Collection method: clinical testing. Allele origin: germline. Not counted in ClinVar's aggregate classification.